The following is an entry in ClinVar:

NM_018117.12(WDR11):c.2246G>A (p.Arg749Gln)

Gene: WDR11 (WD repeat domain 11; plus strand). Cytogenetic location: 10q26.12.
Variant type: single nucleotide variant.
Coding change: c.2246G>A on transcript NM_018117.12 (MANE Select); coding-DNA position 2246, G replaced by A.
Protein change: p.Arg749Gln; replaces arginine 749 with glutamine.
Molecular consequence: missense variant.
Genome position (GRCh38, 1-based): chr10:120,889,912, G>A. VCF-style: chr10-120889912-G-A. GRCh37 (hg19) VCF-style: chr10-122649424-G-A.
Other names: short protein forms R749Q.
Identifiers: ClinVar variation 2336805 (VCV002336805.4), dbSNP rs775379217, ClinGen allele CA5719972.

ClinVar aggregate classification (germline): Uncertain significance. Review status: criteria provided, multiple submitters, no conflicts (2 of 4 stars). 3 submissions from 3 submitters: Uncertain significance (3). Last evaluated 2026-03-16.

Conditions:
Inborn genetic diseases. Identifiers: MedGen C0950123, MeSH D030342.

Allele frequency attached by ClinVar (database versions not stated): gnomAD 0.00001; ExAC 0.00002; gnomAD exomes 0.00002; TOPMed 0.00002.
gnomAD v4.1: 23 of 1,613,532 alleles (0.0014%); highest among the groups gnomAD compares: Non-Finnish European, 0.0019%; no homozygotes.

Submissions (3):

GeneDx
Classification: Uncertain significance. Last evaluated: 2026-03-16. Review status: criteria provided, single submitter. Criteria: GeneDx Variant Classification Process June 2021. Collection method: clinical testing. Allele origin: germline.
Comment: In silico analysis supports that this missense variant has a deleterious effect on protein structure/function; Has not been previously published as pathogenic or benign to our knowledge

Labcorp Genetics (formerly Invitae), Labcorp
Classification: Uncertain significance. Last evaluated: 2025-06-23. Review status: criteria provided, single submitter. Criteria: Invitae Variant Classification Sherloc (09022015). Collection method: clinical testing. Allele origin: germline.
Comment: This sequence change replaces arginine, which is basic and polar, with glutamine, which is neutral and polar, at codon 749 of the WDR11 protein (p.Arg749Gln). This variant is present in population databases (rs775379217, gnomAD 0.003%). This variant has not been reported in the literature in individuals affected with WDR11-related conditions. ClinVar contains an entry for this variant (Variation ID: 2336805). An algorithm developed to predict the effect of missense changes on protein structure and function (PolyPhen-2) suggests that this variant is likely to be disruptive. In summary, the available evidence is currently insufficient to determine the role of this variant in disease. Therefore, it has been classified as a Variant of Uncertain Significance.

Ambry Genetics
Classification: Uncertain significance for Inborn genetic diseases. Last evaluated: 2022-12-19. Review status: criteria provided, single submitter. Criteria: Ambry Variant Classification Scheme 2023. Collection method: clinical testing. Allele origin: germline.